The following is an entry in ClinVar:

NM_001123385.2(BCOR):c.2260C>T (p.Arg754Cys)

Gene: BCOR (BCL6 corepressor; minus strand). Cytogenetic location: Xp11.4.
Variant type: single nucleotide variant.
Coding change: c.2260C>T on transcript NM_001123385.2 (MANE Select); coding-DNA position 2260, C replaced by T.
Protein change: p.Arg754Cys; replaces arginine 754 with cysteine.
Molecular consequence: missense variant.
Genome position (GRCh38, 1-based): chrX:40,073,086, G>A on the plus strand (C>T on the coding strand, the complement: BCOR is on the minus strand). VCF-style: chrX-40073086-G-A. GRCh37 (hg19) VCF-style: chrX-39932339-G-A.
Other names: c.2260C>T, p.Arg754Cys (NM_001437510.1, NM_001437511.1, NM_001438207.1 and 4 more transcripts); short protein forms R754C.
Identifiers: ClinVar variation 4281828 (VCV004281828.1).
Genomic context (GRCh38, chrX:40,073,086, plus strand): 5'-TGGTGCTGCTAGTTTCCAAAATCTCGGAAAACCGATTCCGGAGGGTTGGGTCCTCGTAAC[G>A]GGCTCTCTCATGGGACCGGGATCTCCTCTCTGGTTTCTCCTCTTTAGTAATCTCTATGGG-3'
Protein context (NP_001116857.1, residues 744-764): ERRSRSHERA[Arg754Cys]YEDPTLRNRF

ClinVar aggregate classification (germline): Uncertain significance (1 of 4 stars; one submission).

gnomAD v4.1: 5 of 1,210,257 alleles (0.00041%); highest among the groups gnomAD compares: African/African-American, 0.0035%; no homozygotes.

Submission:

GeneDx
Classification: Uncertain significance. Last evaluated: 2025-04-07. Review status: criteria provided, single submitter. Criteria: GeneDx Variant Classification Process June 2021. Collection method: clinical testing. Allele origin: germline. Affected: yes.
Comment: Not observed at significant frequency in large population cohorts (gnomAD); In silico analysis supports that this missense variant has a deleterious effect on protein structure/function; Has not been previously published as pathogenic or benign to our knowledge